The following is an entry in ClinVar:

NM_206933.4(USH2A):c.8002G>T (p.Glu2668Ter)

Gene: USH2A (usherin; minus strand). Cytogenetic location: 1q41.
Variant type: single nucleotide variant.
Coding change: c.8002G>T on transcript NM_206933.4 (MANE Select); coding-DNA position 8002, G replaced by T.
Protein change: p.Glu2668Ter; replaces glutamic acid 2668 with a stop codon.
Molecular consequence: nonsense.
Genome position (GRCh38, 1-based): chr1:215,888,647, C>A on the plus strand (G>T on the coding strand, the complement: USH2A is on the minus strand). VCF-style: chr1-215888647-C-A. GRCh37 (hg19) VCF-style: chr1-216061989-C-A.
Other names: short protein forms E2668*.
Identifiers: ClinVar variation 1361390 (VCV001361390.9), dbSNP rs2102460193, ClinGen allele CA344839272.

ClinVar aggregate classification (germline): Pathogenic. Review status: criteria provided, multiple submitters, no conflicts (2 of 4 stars). 3 submissions from 3 submitters: Pathogenic (3). Last evaluated 2024-03-25.

Conditions:
Retinitis pigmentosa 39 (RP39). Identifiers: Orphanet 791, MedGen C3151138, MONDO:0013436, OMIM 613809.
Usher syndrome type 2A. Also called: USHER SYNDROME, TYPE IIA; RETINAL DISEASE IN USHER SYNDROME TYPE IIA, MODIFIER OF. Identifiers: Orphanet 231178, Orphanet 886, MedGen C1848634, MONDO:0010169, OMIM 276901.

Submissions (3):

Baylor Genetics
Classification: Pathogenic for Retinitis pigmentosa 39. Last evaluated: 2024-03-25. Review status: criteria provided, single submitter. Criteria: ACMG Guidelines, 2015. Collection method: clinical testing. Allele origin: unknown.

Labcorp Genetics (formerly Invitae), Labcorp
Classification: Pathogenic. Last evaluated: 2021-09-10. Review status: criteria provided, single submitter. Criteria: Invitae Variant Classification Sherloc (09022015). Collection method: clinical testing. Allele origin: germline.
Comment: For these reasons, this variant has been classified as Pathogenic. This variant has not been reported in the literature in individuals affected with USH2A-related conditions. This variant is not present in population databases (ExAC no frequency). This sequence change creates a premature translational stop signal (p.Glu2668*) in the USH2A gene. It is expected to result in an absent or disrupted protein product. Loss-of-function variants in USH2A are known to be pathogenic (PMID: 10729113, 10909849, 20507924, 25649381).

Juno Genomics, Hangzhou Juno Genomics, Inc
Classification: Pathogenic for Retinitis pigmentosa 39; Usher syndrome type 2A. Review status: criteria provided, single submitter. Criteria: ACMG Guidelines, 2015. Collection method: clinical testing. Allele origin: germline. Affected: yes.
Comment: Null variant in a gene where loss of function (LOF) is a known mechanism of disease.;Absent from controls (or at extremely low frequency if recessive) in Genome Aggregation Database, Exome Sequencing Project, 1000 Genomes Project, or Exome Aggregation Consortium.;For recessive disorders, detected in trans with a pathogenic variant.

Literature cited by the submitters: PubMed 10729113 (cited by Labcorp Genetics (formerly Invitae), Labcorp); PubMed 10909849 (cited by Labcorp Genetics (formerly Invitae), Labcorp); PubMed 20507924 (cited by Labcorp Genetics (formerly Invitae), Labcorp); PubMed 25649381 (cited by Labcorp Genetics (formerly Invitae), Labcorp).